The following is an entry in ClinVar:

NM_000081.4(LYST):c.2811A>G (p.Leu937=)

Gene: LYST (lysosomal trafficking regulator; minus strand). Cytogenetic location: 1q42.3.
Variant type: single nucleotide variant.
Coding change: c.2811A>G on transcript NM_000081.4 (MANE Select); coding-DNA position 2811, A replaced by G.
Protein change: p.Leu937=; no amino-acid change (leucine 937 retained).
Molecular consequence: synonymous variant.
Genome position (GRCh38, 1-based): chr1:235,806,325, T>C on the plus strand (A>G on the coding strand, the complement: LYST is on the minus strand). VCF-style: chr1-235806325-T-C. GRCh37 (hg19) VCF-style: chr1-235969625-T-C.
Other names: p.Leu937=; c.2811A>G, p.Leu937= (NM_001301365.1).
Identifiers: ClinVar variation 3656734 (VCV003656734.3).
Genomic context (GRCh38, chr1:235,806,325, plus strand): 5'-CATATGTTCAGGAGAAGGCAAGACAAGGCTCTCGAGAGATATACATGGCAGCATATGACT[T>C]AAAGGCTCGCTGGCTGTGCTGTCATAGCCAGAAGTATCTTCTGAGTCATTGGCCGACTCC-3'
Protein context (NP_000072.2, residues 927-947): SGYDSTASEP[Leu937=]SHMLPCISLE

ClinVar aggregate classification (germline): Likely benign. Review status: criteria provided, multiple submitters, no conflicts (2 of 4 stars). 2 submissions from 2 submitters: Likely benign (2). Last evaluated 2025-09-12.

Conditions:
Chédiak-Higashi syndrome (CHS). Also called: Chediak-Higashi Syndrome. Identifiers: Orphanet 167, MedGen C0007965, MONDO:0008963, OMIM 214500.

gnomAD v4.1: 1 of 1,613,894 alleles (0.000062%); highest among the groups gnomAD compares: African/African-American, 0.0013%; no homozygotes.

Submissions (2):

Mayo Clinic Laboratories, Mayo Clinic
Classification: Likely benign. Last evaluated: 2025-09-12. Review status: criteria provided, single submitter. Criteria: ACMG Guidelines, 2015. Collection method: clinical testing. Allele origin: germline. Observed: 1 variant allele.
Comment: BP4, BP7, PM2_supporting

Labcorp Genetics (formerly Invitae), Labcorp
Classification: Likely benign for Chédiak-Higashi syndrome. Last evaluated: 2024-06-15. Review status: criteria provided, single submitter. Criteria: Invitae Variant Classification Sherloc (09022015). Collection method: clinical testing. Allele origin: germline.